The following is an entry in ClinVar:

NM_001130987.2(DYSF):c.5222T>C (p.Leu1741Pro)

Gene: DYSF (dysferlin; plus strand). Cytogenetic location: 2p13.2.
Variant type: single nucleotide variant.
Coding change: c.5222T>C on transcript NM_001130987.2 (MANE Select); coding-DNA position 5222, T replaced by C.
Protein change: p.Leu1741Pro; replaces leucine 1741 with proline.
Molecular consequence: missense variant.
Genome position (GRCh38, 1-based): chr2:71,665,209, T>C. VCF-style: chr2-71665209-T-C. GRCh37 (hg19) VCF-style: chr2-71892339-T-C.
Other names: c.5108T>C, p.Leu1703Pro (NM_001130455.2); c.5063T>C, p.Leu1688Pro (NM_001130976.2); c.5126T>C, p.Leu1709Pro (NM_001130977.2); c.5168T>C, p.Leu1723Pro (NM_001130978.2); c.5198T>C, p.Leu1733Pro (NM_001130979.2); c.5156T>C, p.Leu1719Pro (NM_001130980.2); c.5219T>C, p.Leu1740Pro (NM_001130981.2); c.5201T>C, p.Leu1734Pro (NM_001130982.2); and 6 more; short protein forms L1702P, L1741P, L1720P, L1734P, L1740P, L1689P, L1710P, L1723P.
Identifiers: ClinVar variation 496902 (VCV000496902.11), dbSNP rs1553413187, ClinGen allele CA347220993.

ClinVar aggregate classification (germline): Uncertain significance. Review status: criteria provided, multiple submitters, no conflicts (2 of 4 stars). 3 submissions from 3 submitters: Uncertain significance (3). Last evaluated 2023-06-30.

Conditions:
Neuromuscular disease caused by qualitative or quantitative defects of dysferlin. Also called: Dysferlinopathy; Qualitative or quantitative defects of dysferlin. Identifiers: Orphanet 207073, MedGen C2931687, MONDO:0016145.

Submissions (3):

Labcorp Genetics (formerly Invitae), Labcorp
Classification: Uncertain significance for Neuromuscular disease caused by qualitative or quantitative defects of dysferlin. Last evaluated: 2023-06-30. Review status: criteria provided, single submitter. Criteria: Invitae Variant Classification Sherloc (09022015). Collection method: clinical testing. Allele origin: germline.
Comment: In summary, the available evidence is currently insufficient to determine the role of this variant in disease. Therefore, it has been classified as a Variant of Uncertain Significance. Advanced modeling of protein sequence and biophysical properties (such as structural, functional, and spatial information, amino acid conservation, physicochemical variation, residue mobility, and thermodynamic stability) performed at Invitae indicates that this missense variant is expected to disrupt DYSF protein function. ClinVar contains an entry for this variant (Variation ID: 496902). This missense change has been observed in individual(s) with clinical features of limb-girdle muscular dystrophy type 2B (PMID: 30564623; Invitae). This variant is not present in population databases (gnomAD no frequency). This sequence change replaces leucine, which is neutral and non-polar, with proline, which is neutral and non-polar, at codon 1702 of the DYSF protein (p.Leu1702Pro).

Revvity Omics, Revvity
Classification: Uncertain significance. Last evaluated: 2023-02-28. Review status: criteria provided, single submitter. Criteria: ACMG Guidelines, 2015. Collection method: clinical testing. Allele origin: germline.

Eurofins Ntd Llc (ga)
Classification: Uncertain significance. Last evaluated: 2017-02-28. Review status: criteria provided, single submitter. Criteria: EGL Classification Definitions 2015. Collection method: clinical testing. Allele origin: germline. Observed: 1 variant allele, 1 homozygote.

Literature cited by the submitters: PubMed 30564623 (cited by Labcorp Genetics (formerly Invitae), Labcorp).